The following is an entry in ClinVar:

ClinVar aggregate classification (germline): Uncertain significance (1 of 4 stars; one submission).

Allele frequency attached by ClinVar (database versions not stated): ExAC 0.00001; gnomAD exomes 0.00001.
gnomAD v4.1: 8 of 1,546,114 alleles (0.00052%); highest among the groups gnomAD compares: Non-Finnish European, 0.00069%; no homozygotes.

Submission:

Labcorp Genetics (formerly Invitae), Labcorp
Classification: Uncertain significance. Last evaluated: 2024-11-27. Review status: criteria provided, single submitter. Criteria: Invitae Variant Classification Sherloc (09022015). Collection method: clinical testing. Allele origin: germline.
Comment: This sequence change replaces glutamine, which is neutral and polar, with arginine, which is basic and polar, at codon 10 of the BCL11B protein (p.Gln10Arg). The frequency data for this variant in the population databases is considered unreliable, as metrics indicate poor data quality at this position in the gnomAD database. This variant has not been reported in the literature in individuals affected with BCL11B-related conditions. ClinVar contains an entry for this variant (Variation ID: 2845122). Invitae Evidence Modeling of protein sequence and biophysical properties (such as structural, functional, and spatial information, amino acid conservation, physicochemical variation, residue mobility, and thermodynamic stability) indicates that this missense variant is not expected to disrupt BCL11B protein function with a negative predictive value of 95%. In summary, the available evidence is currently insufficient to determine the role of this variant in disease. Therefore, it has been classified as a Variant of Uncertain Significance.

NM_138576.4(BCL11B):c.29A>G (p.Gln10Arg)

Gene: BCL11B (BCL11 transcription factor B; minus strand). Cytogenetic location: 14q32.2.
Variant type: single nucleotide variant.
Coding change: c.29A>G on transcript NM_138576.4 (MANE Select); coding-DNA position 29, A replaced by G.
Protein change: p.Gln10Arg; replaces glutamine 10 with arginine.
Molecular consequence: missense variant.
Genome position (GRCh38, 1-based): chr14:99,271,190, T>C on the plus strand (A>G on the coding strand, the complement: BCL11B is on the minus strand). VCF-style: chr14-99271190-T-C. GRCh37 (hg19) VCF-style: chr14-99737527-T-C.
Other names: c.29A>G, p.Gln10Arg (NM_001282237.2, NM_001282238.2, NM_022898.3); short protein forms Q10R.
Identifiers: ClinVar variation 2845122 (VCV002845122.3), dbSNP rs764743438, ClinGen allele CA7339966.